The following is an entry in ClinVar:

NM_001080517.3(SETD5):c.1751G>A (p.Gly584Asp)

Gene: SETD5 (SET domain containing 5; plus strand). Cytogenetic location: 3p25.3.
Variant type: single nucleotide variant.
Coding change: c.1751G>A on transcript NM_001080517.3 (MANE Select); coding-DNA position 1751, G replaced by A.
Protein change: p.Gly584Asp; replaces glycine 584 with aspartic acid.
Molecular consequence: missense variant.
Genome position (GRCh38, 1-based): chr3:9,447,276, G>A. VCF-style: chr3-9447276-G-A. GRCh37 (hg19) VCF-style: chr3-9488960-G-A.
Other names: c.1457G>A, p.Gly486Asp (NM_001292043.2, NM_001349451.2); c.1847G>A, p.Gly616Asp (NM_001437633.1); c.1808G>A, p.Gly603Asp (NM_001437635.1); c.1751G>A, p.Gly584Asp (NM_001437643.1); c.1790G>A, p.Gly597Asp (NM_001437701.1); short protein forms G486D, G584D, G597D, G603D, G616D.
Identifiers: ClinVar variation 4076161 (VCV004076161.1).

ClinVar aggregate classification (germline): Uncertain significance (1 of 4 stars; one submission).

Conditions:
Intellectual disability-facial dysmorphism syndrome due to SETD5 haploinsufficiency (MRD23). Also called: Intellectual developmental disorder, autosomal dominant 23. Identifiers: Orphanet 404440, MedGen C3810406, MONDO:0014336, OMIM 615761.

gnomAD v4.1: 1 of 1,613,854 alleles (0.000062%); highest among the groups gnomAD compares: Admixed American, 0.0017%; no homozygotes.

Submission:

Laboratorio de Genetica e Diagnostico Molecular, Hospital Israelita Albert Einstein
Classification: Uncertain significance for Intellectual disability-facial dysmorphism syndrome due to SETD5 haploinsufficiency. Last evaluated: 2024-10-16. Review status: criteria provided, single submitter. Criteria: ACMG Guidelines, 2015. Collection method: clinical testing. Allele origin: germline. Affected: yes.
Comment: ACMG classification criteria: PM2 supporting